The following is an entry in ClinVar:

ClinVar aggregate classification (germline): Uncertain significance (1 of 4 stars; one submission).

gnomAD v4.1: 2 of 1,558,332 alleles (0.00013%); highest among the groups gnomAD compares: Admixed American, 0.0019%; no homozygotes.

Submission:

Labcorp Genetics (formerly Invitae), Labcorp
Classification: Uncertain significance. Last evaluated: 2023-11-27. Review status: criteria provided, single submitter. Criteria: Invitae Variant Classification Sherloc (09022015). Collection method: clinical testing. Allele origin: germline.
Comment: This sequence change replaces glutamic acid, which is acidic and polar, with aspartic acid, which is acidic and polar, at codon 913 of the RIMS1 protein (p.Glu913Asp). The frequency data for this variant in the population databases is considered unreliable, as metrics indicate poor data quality at this position in the gnomAD database. This variant has not been reported in the literature in individuals affected with RIMS1-related conditions. ClinVar contains an entry for this variant (Variation ID: 1993990). An algorithm developed to predict the effect of missense changes on protein structure and function (PolyPhen-2) suggests that this variant is likely to be tolerated. In summary, the available evidence is currently insufficient to determine the role of this variant in disease. Therefore, it has been classified as a Variant of Uncertain Significance.

NM_014989.7(RIMS1):c.2739G>C (p.Glu913Asp)

Gene: RIMS1 (regulating synaptic membrane exocytosis 1; plus strand). Cytogenetic location: 6q13.
Variant type: single nucleotide variant.
Coding change: c.2739G>C on transcript NM_014989.7 (MANE Select); coding-DNA position 2739, G replaced by C.
Protein change: p.Glu913Asp; replaces glutamic acid 913 with aspartic acid.
Molecular consequence: missense variant.
Genome position (GRCh38, 1-based): chr6:72,252,801, G>C. VCF-style: chr6-72252801-G-C. GRCh37 (hg19) VCF-style: chr6-72962504-G-C.
Other names: c.918G>C, p.Glu306Asp (NM_001168409.2, NM_001350461.2, NM_001350463.2 and 6 more transcripts); c.1116G>C, p.Glu372Asp (NM_001168410.2, NM_001350472.2, NM_001350473.2 and 2 more transcripts); c.1161G>C, p.Glu387Asp (NM_001350414.2, NM_001350415.2, NM_001350416.2 and 37 more transcripts); c.1092G>C, p.Glu364Asp (NM_001350437.2, NM_001350450.2, NM_001350459.2 and 6 more transcripts); short protein forms E306D, E387D, E364D, E372D, E913D.
Identifiers: ClinVar variation 1993990 (VCV001993990.4), dbSNP rs765679811, ClinGen allele CA364680596.
Genomic context (GRCh38, chr6:72,252,801, plus strand): 5'-TTTGCCTTACTGTTGTGCAGGATCTCAGCGAATCAGTGATAGTGACATCTCAGATTATGA[G>C]GTTGATGATGGTATTGGCGTAGTTCCTCCAGGTGCGTGGGTGAGGAGCATGACCCTGCTT-3'
Protein context (NP_055804.2, residues 903-923): RISDSDISDY[Glu913Asp]VDDGIGVVPP